The following is an entry in ClinVar:

NM_000179.3(MSH6):c.3439G>A (p.Ala1147Thr)

Gene: MSH6 (mutS homolog 6; plus strand). Cytogenetic location: 2p16.3.
Variant type: single nucleotide variant.
Coding change: c.3439G>A on transcript NM_000179.3 (MANE Select); coding-DNA position 3439, G replaced by A.
Protein change: p.Ala1147Thr; replaces alanine 1147 with threonine.
Molecular consequence: missense variant.
Genome position (GRCh38, 1-based): chr2:47,804,910, G>A. VCF-style: chr2-47804910-G-A. GRCh37 (hg19) VCF-style: chr2-48032049-G-A.
Other names: c.3049G>A, p.Ala1017Thr (NM_001281492.2); c.2533G>A, p.Ala845Thr (NM_001281493.2, NM_001281494.2); short protein forms A1147T, A1017T, A845T.
Identifiers: ClinVar variation 188347 (VCV000188347.20), dbSNP rs770054790, ClinGen allele CA012926.

ClinVar aggregate classification (germline): Uncertain significance. Review status: criteria provided, multiple submitters, no conflicts (2 of 4 stars). 6 submissions from 6 submitters: Uncertain significance (6). Last evaluated 2025-05-30.

Conditions:
Hereditary nonpolyposis colorectal neoplasms. Identifiers: MedGen C0009405, MeSH D003123.
Hereditary cancer-predisposing syndrome. Also called: Hereditary Cancer Syndrome; Neoplastic Syndromes, Hereditary; Hereditary neoplastic syndrome; Tumor predisposition. Identifiers: Orphanet 140162, MedGen C0027672, MeSH D009386, MONDO:0015356.
Lynch syndrome. Identifiers: Orphanet 144, MedGen C4552100, MONDO:0005835. Disease mechanism: loss of function.

Allele frequency attached by ClinVar (database versions not stated): gnomAD exomes below 0.00001 and 0.00001; ExAC 0.00001.

Submissions (6):

Ambry Genetics
Classification: Uncertain significance for Hereditary cancer-predisposing syndrome. Last evaluated: 2025-05-30. Review status: criteria provided, single submitter. Criteria: Ambry Variant Classification Scheme 2023. Collection method: clinical testing. Allele origin: germline.
Comment: The p.A1147T variant (also known as c.3439G>A) is located in coding exon 6 of the MSH6 gene. The alanine at codon 1147 is replaced by threonine, an amino acid with similar properties. This change occurs in the first base pair of coding exon 6. This amino acid position is well conserved in available vertebrate species. In addition, the in silico prediction for this alteration is inconclusive. Based on the available evidence, the clinical significance of this alteration remains unclear.

Labcorp Genetics (formerly Invitae), Labcorp
Classification: Uncertain significance for Hereditary nonpolyposis colorectal neoplasms. Last evaluated: 2025-03-20. Review status: criteria provided, single submitter. Criteria: Invitae Variant Classification Sherloc (09022015). Collection method: clinical testing. Allele origin: germline.
Comment: This sequence change replaces alanine, which is neutral and non-polar, with threonine, which is neutral and polar, at codon 1147 of the MSH6 protein (p.Ala1147Thr). This variant is present in population databases (rs770054790, gnomAD 0.002%). This variant has not been reported in the literature in individuals affected with MSH6-related conditions. ClinVar contains an entry for this variant (Variation ID: 188347). An algorithm developed to predict the effect of missense changes on protein structure and function (PolyPhen-2) suggests that this variant is likely to be tolerated. In summary, the available evidence is currently insufficient to determine the role of this variant in disease. Therefore, it has been classified as a Variant of Uncertain Significance.

Center for Genomic Medicine, Rigshospitalet, Copenhagen University Hospital
Classification: Uncertain significance. Last evaluated: 2025-03-04. Review status: criteria provided, single submitter. Criteria: ACMG Guidelines, 2015. Collection method: clinical testing. Allele origin: germline.

Institute for Genomic Medicine (IGM) Clinical Laboratory, Nationwide Children's Hospital
Classification: Uncertain significance for Hereditary cancer-predisposing syndrome. Last evaluated: 2024-12-20. Review status: criteria provided, single submitter. Criteria: ACMG Guidelines, 2015. Collection method: clinical testing. Allele origin: germline.
Comment: This variant is absent from or present at an exceedingly low frequency in gnomAD, a large-scale control population database (ACMG/AMP: PM2). This variant results in a missense alteration in a gene for which primarily truncating variants are known to cause disease (ACMG/AMP: BP1).

Color Diagnostics, LLC DBA Color Health
Classification: Uncertain significance for Hereditary cancer-predisposing syndrome. Last evaluated: 2024-05-06. Review status: criteria provided, single submitter. Criteria: ACMG Guidelines, 2015. Collection method: clinical testing. Allele origin: germline.
Comment: This missense variant replaces alanine with threonine at codon 1147 of the MSH6 protein. Computational prediction suggests that this variant may not impact protein structure and function (internally defined REVEL score threshold <= 0.5, PMID: 27666373). To our knowledge, functional studies have not been reported for this variant. This variant has not been reported in individuals affected with MSH6-related disorders in the literature. This variant has been identified in 2/251432 chromosomes in the general population by the Genome Aggregation Database (gnomAD). The available evidence is insufficient to determine the role of this variant in disease conclusively. Therefore, this variant is classified as a Variant of Uncertain Significance.

All of Us Research Program, National Institutes of Health
Classification: Uncertain significance for Lynch syndrome. Last evaluated: 2023-02-24. Review status: criteria provided, single submitter. Criteria: ACMG Guidelines, 2015. Collection method: clinical testing. Allele origin: germline. Inheritance: Autosomal dominant inheritance. Observed: 1 variant allele, 1 heterozygote.
Comment: This missense variant replaces alanine with threonine at codon 1147 of the MSH6 protein. Computational prediction suggests that this variant may not impact protein structure and function (internally defined REVEL score threshold <= 0.5, PMID: 27666373). To our knowledge, functional studies have not been reported for this variant. This variant has not been reported in individuals affected with hereditary cancer in the literature. This variant has been identified in 2/251432 chromosomes in the general population by the Genome Aggregation Database (gnomAD). The available evidence is insufficient to determine the role of this variant in disease conclusively. Therefore, this variant is classified as a Variant of Uncertain Significance.

This study involves interpretation of variants in research participants for the purpose of population health screening. Participant phenotype was not available at the time of variant classification. Additional details can be found in publication PMID: 35346344, PMCID: PMC8962531